The following is an entry in ClinVar:

NM_018671.5(UNC45A):c.1432G>T (p.Gly478Cys)

Gene: UNC45A (unc-45 myosin chaperone A; plus strand). Cytogenetic location: 15q26.1.
Variant type: single nucleotide variant.
Coding change: c.1432G>T on transcript NM_018671.5 (MANE Select); coding-DNA position 1432, G replaced by T.
Protein change: p.Gly478Cys; replaces glycine 478 with cysteine.
Molecular consequence: missense variant.
Genome position (GRCh38, 1-based): chr15:90,946,846, G>T. VCF-style: chr15-90946846-G-T. GRCh37 (hg19) VCF-style: chr15-91490076-G-T.
Other names: c.1387G>T, p.Gly463Cys (NM_001039675.2, NM_001323621.2); c.1432G>T, p.Gly478Cys (NM_001323619.1); c.997G>T, p.Gly333Cys (NM_001323620.2); c.1432G>T (NM_018671.3); short protein forms G333C, G463C, G478C.
Identifiers: ClinVar variation 1633006 (VCV001633006.12), dbSNP rs113080417, ClinGen allele CA7742896.

ClinVar aggregate classification (germline): Conflicting classifications of pathogenicity. Review status: criteria provided, conflicting classifications (1 of 4 stars). 4 submissions from 4 submitters: Uncertain significance (1); Likely benign (2). 1 of the submissions does not count toward it. Last evaluated 2026-01-06.

Conditions:
Inborn genetic diseases. Identifiers: MedGen C0950123, MeSH D030342.
UNC45A-related disorder. Also called: UNC45A-related condition.

Allele frequency attached by ClinVar (database versions not stated): 1000 Genomes Project 30x 0.00031; 1000 Genomes Project 0.00040; ESP Exome Variant Server 0.00046.
gnomAD v4.1: 197 of 1,614,134 alleles (0.012%); highest among the groups gnomAD compares: African/African-American, 0.23%; no homozygotes.

Submissions (4):

Labcorp Genetics (formerly Invitae), Labcorp
Classification: Likely benign. Last evaluated: 2026-01-06. Review status: criteria provided, single submitter. Criteria: Invitae Variant Classification Sherloc (09022015). Collection method: clinical testing. Allele origin: germline.

Ambry Genetics
Classification: Uncertain significance for Inborn genetic diseases. Last evaluated: 2025-05-03. Review status: criteria provided, single submitter. Criteria: Ambry Variant Classification Scheme 2023. Collection method: clinical testing. Allele origin: germline.

Breakthrough Genomics
Classification: Likely benign. Review status: criteria provided, single submitter. Criteria: ACMG Guidelines, 2015. Collection method: not provided. Allele origin: germline. Inheritance: Autosomal recessive inheritance. Affected: yes.

PreventionGenetics, part of Exact Sciences
Classification: Likely benign for UNC45A-related condition. Last evaluated: 2023-06-05. Review status: no assertion criteria provided. Collection method: clinical testing. Allele origin: germline. Not counted in ClinVar's aggregate classification.
Comment: This variant is classified as likely benign based on ACMG/AMP sequence variant interpretation guidelines (Richards et al. 2015 PMID: 25741868, with internal and published modifications).